The following is an entry in ClinVar:

NM_000238.4(KCNH2):c.472+3A>G

Gene: KCNH2 (potassium voltage-gated channel subfamily H member 2; minus strand). Cytogenetic location: 7q36.1.
Variant type: single nucleotide variant.
Coding change: c.472+3A>G on transcript NM_000238.4 (MANE Select); 3 bases into the intron after coding-DNA position 472, A replaced by G.
Molecular consequence: intron variant.
Genome position (GRCh38, 1-based): chr7:150,959,569, T>C on the plus strand (A>G on the coding strand, the complement: KCNH2 is on the minus strand). VCF-style: chr7-150959569-T-C. GRCh37 (hg19) VCF-style: chr7-150656657-T-C.
Other names: c.184+3A>G (NM_001406753.1, NM_001406756.1); c.472+3A>G (NM_172056.3); c.295+3A>G (NM_001406755.1); c.172+3A>G (NM_001406757.1).
Identifiers: ClinVar variation 3075130 (VCV003075130.1), dbSNP rs2117011201, ClinGen allele CA2579062996.

ClinVar aggregate classification (germline): Uncertain significance (1 of 4 stars; one submission).

Conditions:
Long QT syndrome (LQTS). Identifiers: MedGen C0023976, MeSH D008133, MONDO:0002442. Disease mechanism: loss of function. Inheritance: Various modes of inheritance.

Allele frequency attached by ClinVar (database versions not stated): gnomAD exomes below 0.00001.
gnomAD v4.1: 1 of 1,613,976 alleles (0.000062%); highest among the groups gnomAD compares: Non-Finnish European, 0.000085%; no homozygotes.

Submission:

All of Us Research Program, National Institutes of Health
Classification: Uncertain significance for Long QT syndrome. Last evaluated: 2023-12-18. Review status: criteria provided, single submitter. Criteria: ACMG Guidelines, 2015. Collection method: clinical testing. Allele origin: germline. Inheritance: Autosomal dominant inheritance. Observed: 1 variant allele, 1 heterozygote.
Comment: This variant causes an A to G nucleotide substitution at the +3 position of intron 3 of the KCNH2 gene. To our knowledge, functional studies have not been reported for this variant. This variant has not been reported in individuals affected with KCNH2-related disorders in the literature. This variant has not been identified in the general population by the Genome Aggregation Database (gnomAD). The available evidence is insufficient to determine the role of this variant in disease conclusively. Therefore, this variant is classified as a Variant of Uncertain Significance.

This study involves interpretation of variants in research participants for the purpose of population health screening. Participant phenotype was not available at the time of variant classification. Additional details can be found in publication PMID: 35346344, PMCID: PMC8962531